The following is an entry in ClinVar:

ClinVar aggregate classification (germline): Conflicting classifications of pathogenicity. Review status: criteria provided, conflicting classifications (1 of 4 stars). 4 submissions from 4 submitters: Uncertain significance (3); Likely benign (1). Last evaluated 2025-09-22.

Conditions:
Hereditary cancer-predisposing syndrome. Also called: Hereditary neoplastic syndrome; Neoplastic Syndromes, Hereditary; Hereditary Cancer Syndrome; Tumor predisposition. Identifiers: Orphanet 140162, MedGen C0027672, MeSH D009386, MONDO:0015356.
Retinoblastoma (RB1). Also called: RETINOBLASTOMA, SOMATIC. Identifiers: Orphanet 790, MedGen C0035335, MeSH D012175, MONDO:0008380, OMIM 180200, HP:0009919. Disease mechanism: loss of function. Inheritance: Both sporadic and heritable forms are tested..
Malignant tumor of urinary bladder. Also called: Bladder cancer; Urinary Bladder Neoplasms; Urinary bladder cancer. Identifiers: MedGen C0005684, MONDO:0001187, OMIM 109800.

Allele frequency attached by ClinVar (database versions not stated): gnomAD exomes below 0.00001 and 0.00002; TOPMed below 0.00001; gnomAD 0.00001; ExAC 0.00002.
gnomAD v4.1: 7 of 1,613,364 alleles (0.00043%); highest among the groups gnomAD compares: South Asian, 0.0033%; no homozygotes.

Submissions (4):

Labcorp Genetics (formerly Invitae), Labcorp
Classification: Uncertain significance for Retinoblastoma. Last evaluated: 2025-09-22. Review status: criteria provided, single submitter. Criteria: Invitae Variant Classification Sherloc (09022015). Collection method: clinical testing. Allele origin: germline.
Comment: This sequence change replaces threonine, which is neutral and polar, with isoleucine, which is neutral and non-polar, at codon 356 of the RB1 protein (p.Thr356Ile). This variant is present in population databases (rs774525913, gnomAD 0.007%). This variant has not been reported in the literature in individuals affected with RB1-related conditions. ClinVar contains an entry for this variant (Variation ID: 658872). Invitae Evidence Modeling of protein sequence and biophysical properties (such as structural, functional, and spatial information, amino acid conservation, physicochemical variation, residue mobility, and thermodynamic stability) indicates that this missense variant is not expected to disrupt RB1 protein function with a negative predictive value of 80%. In summary, the available evidence is currently insufficient to determine the role of this variant in disease. Therefore, it has been classified as a Variant of Uncertain Significance.

Ambry Genetics
Classification: Likely benign for Hereditary cancer-predisposing syndrome. Last evaluated: 2025-07-14. Review status: criteria provided, single submitter. Criteria: Ambry Variant Classification Scheme 2023. Collection method: clinical testing. Allele origin: germline.

GeneDx
Classification: Uncertain significance. Last evaluated: 2025-02-28. Review status: criteria provided, single submitter. Criteria: GeneDx Variant Classification Process June 2021. Collection method: clinical testing. Allele origin: germline. Affected: yes.
Comment: Not observed at significant frequency in large population cohorts (gnomAD); In silico analysis supports that this missense variant has a deleterious effect on protein structure/function; Has not been previously published as pathogenic or benign to our knowledge

Baylor Genetics
Classification: Uncertain significance for Malignant tumor of urinary bladder. Last evaluated: 2023-08-13. Review status: criteria provided, single submitter. Criteria: ACMG Guidelines, 2015. Collection method: clinical testing. Allele origin: unknown.

NM_000321.3(RB1):c.1067C>T (p.Thr356Ile)

Gene: RB1 (RB transcriptional corepressor 1; plus strand). Cytogenetic location: 13q14.2.
Variant type: single nucleotide variant.
Coding change: c.1067C>T on transcript NM_000321.3 (MANE Select); coding-DNA position 1067, C replaced by T.
Protein change: p.Thr356Ile; replaces threonine 356 with isoleucine.
Molecular consequence: missense variant.
Genome position (GRCh38, 1-based): chr13:48,368,544, C>T. VCF-style: chr13-48368544-C-T. GRCh37 (hg19) VCF-style: chr13-48942680-C-T.
Other names: short protein forms T356I.
Identifiers: ClinVar variation 658872 (VCV000658872.9), dbSNP rs774525913, ClinGen allele CA027515.